The following is an entry in ClinVar:

NM_003809.3(TNFSF12):c.284C>A (p.Ala95Glu)

Genes: TNFSF12 (TNF superfamily member 12; plus strand), TNFSF12-TNFSF13 (TNFSF12-TNFSF13 readthrough; plus strand). Cytogenetic location: 17p13.1.
Variant type: single nucleotide variant.
Coding change: c.284C>A on transcript NM_003809.3 (MANE Select); coding-DNA position 284, C replaced by A.
Protein change: p.Ala95Glu; replaces alanine 95 with glutamic acid.
Molecular consequence: missense variant. On other transcripts: non-coding transcript variant (1).
Genome position (GRCh38, 1-based): chr17:7,550,799, C>A. VCF-style: chr17-7550799-C-A. GRCh37 (hg19) VCF-style: chr17-7454116-C-A.
Other names: c.284C>A, p.Ala95Glu (NM_172089.4); short protein forms A95E.
Identifiers: ClinVar variation 1505752 (VCV001505752.8), dbSNP rs1187061850, ClinGen allele CA397856955.

ClinVar aggregate classification (germline): Uncertain significance (1 of 4 stars; one submission).

Conditions:
Common variable immunodeficiency (CVID). Also called: Common variable hypogamma-globulinemia; Common variable agammaglobulinemia. Identifiers: Orphanet 1572, MedGen C0009447, MONDO:0015517.

Allele frequency attached by ClinVar (database versions not stated): gnomAD exomes 0.00001; TOPMed 0.00002.
gnomAD v4.1: 4 of 1,609,772 alleles (0.00025%); highest among the groups gnomAD compares: Admixed American, 0.005%; no homozygotes.

Submission:

Labcorp Genetics (formerly Invitae), Labcorp
Classification: Uncertain significance for Common variable immunodeficiency. Last evaluated: 2024-09-21. Review status: criteria provided, single submitter. Criteria: Invitae Variant Classification Sherloc (09022015). Collection method: clinical testing. Allele origin: germline.
Comment: This sequence change replaces alanine, which is neutral and non-polar, with glutamic acid, which is acidic and polar, at codon 95 of the TNFSF12 protein (p.Ala95Glu). This variant is present in population databases (no rsID available, gnomAD 0.009%). This variant has not been reported in the literature in individuals affected with TNFSF12-related conditions. ClinVar contains an entry for this variant (Variation ID: 1505752). An algorithm developed to predict the effect of missense changes on protein structure and function (PolyPhen-2) suggests that this variant is likely to be disruptive. In summary, the available evidence is currently insufficient to determine the role of this variant in disease. Therefore, it has been classified as a Variant of Uncertain Significance.